The following is an entry in ClinVar:

ClinVar aggregate classification (germline): Uncertain significance. Review status: criteria provided, multiple submitters, no conflicts (2 of 4 stars). 2 submissions from 2 submitters: Uncertain significance (2). Last evaluated 2026-01-26.

Submissions (2):

Labcorp Genetics (formerly Invitae), Labcorp
Classification: Uncertain significance. Last evaluated: 2026-01-26. Review status: criteria provided, single submitter. Criteria: Invitae Variant Classification Sherloc (09022015). Collection method: clinical testing. Allele origin: germline.
Comment: This variant, c.1686_1694del, results in the deletion of 3 amino acid(s) of the COL9A3 protein (p.Pro567_Gly569del), but otherwise preserves the integrity of the reading frame. This variant is present in population databases (rs775967846, gnomAD 0.009%). This variant has not been reported in the literature in individuals affected with COL9A3-related conditions. ClinVar contains an entry for this variant (Variation ID: 1422700). Experimental studies and prediction algorithms are not available or were not evaluated, and the functional significance of this variant is currently unknown. In summary, the available evidence is currently insufficient to determine the role of this variant in disease. Therefore, it has been classified as a Variant of Uncertain Significance.

Blueprint Genetics
Classification: Uncertain significance. Last evaluated: 2023-12-11. Review status: criteria provided, single submitter. Criteria: ACMG Guidelines, 2015. Collection method: clinical testing. Allele origin: germline.

NM_001853.4(COL9A3):c.1686_1694del (p.561PPG[2])

Gene: COL9A3 (collagen type IX alpha 3 chain; plus strand). Cytogenetic location: 20q13.33.
Variant type: Deletion.
Coding change: c.1686_1694del on transcript NM_001853.4 (MANE Select); coding-DNA positions 1686 to 1694, 9 bases deleted (TGGGCCCCC; older notation c.1686_1694delTGGGCCCCC).
Protein change: p.561PPG[2].
Molecular consequence: inframe deletion.
Genome position (GRCh38, 1-based): chr20:62,837,165-62,837,173, TGGGCCCCC deleted; deleting any 9 consecutive bases within chr20:62,837,160-62,837,173 gives the same sequence; the c. name uses the placement nearest the transcript's 3' end. VCF-style (leftmost placement, unchanged base first): chr20-62837159-CCCCCCTGGG-C. GRCh37 (hg19) VCF-style: chr20-61468511-CCCCCCTGGG-C.
Identifiers: ClinVar variation 1422700 (VCV001422700.7), dbSNP rs775967846, ClinGen allele CA9950147.